The following is an entry in ClinVar:

ClinVar aggregate classification (germline): Conflicting classifications of pathogenicity. Review status: criteria provided, conflicting classifications (1 of 4 stars). 8 submissions from 8 submitters: Uncertain significance (5); Benign (2); Likely benign (1). Last evaluated 2026-01-07.

Conditions:
Hypokalemic periodic paralysis, type 1. Also called: HypoPP; Hypokalemic Periodic Paralysis Type 1 (AD). Identifiers: Orphanet 681, MedGen C3714580, MONDO:0042979, OMIM 170400.
Malignant hyperthermia, susceptibility to, 5 (MHS5). Also called: CACNA1S-Related Malignant Hyperthermia Susceptibility. Identifiers: Orphanet 423, MedGen C1866077, MONDO:0011163, OMIM 601887.

Allele frequency attached by ClinVar (database versions not stated): TOPMed 0.00014; gnomAD 0.00021; gnomAD exomes 0.00025; ExAC 0.00027; 1000 Genomes Project 0.00040; 1000 Genomes Project 30x 0.00047.
gnomAD v4.1: 262 of 1,614,174 alleles (0.016%); highest among the groups gnomAD compares: Non-Finnish European, 0.017%; 1 homozygote.

Submissions (8):

Labcorp Genetics (formerly Invitae), Labcorp
Classification: Benign for Hypokalemic periodic paralysis, type 1; Malignant hyperthermia, susceptibility to, 5. Last evaluated: 2026-01-07. Review status: criteria provided, single submitter. Criteria: Invitae Variant Classification Sherloc (09022015). Collection method: clinical testing. Allele origin: germline.

CeGaT Center for Human Genetics Tuebingen
Classification: Uncertain significance. Last evaluated: 2025-07-01. Review status: criteria provided, single submitter. Criteria: CeGaT Center For Human Genetics Tuebingen Variant Classification Criteria Version 2. Collection method: clinical testing. Allele origin: germline. Affected: yes. Observed: 2 variant alleles.

GeneDx
Classification: Uncertain significance. Last evaluated: 2024-10-23. Review status: criteria provided, single submitter. Criteria: GeneDx Variant Classification Process June 2021. Collection method: clinical testing. Allele origin: germline. Affected: yes.
Comment: In silico analysis supports that this missense variant has a deleterious effect on protein structure/function; This variant is associated with the following publications: (PMID: 24195946)

Mayo Clinic Laboratories, Mayo Clinic
Classification: Uncertain significance. Last evaluated: 2024-02-20. Review status: criteria provided, single submitter. Criteria: ACMG Guidelines, 2015. Collection method: clinical testing. Allele origin: germline. Observed: 1 variant allele.

Revvity Omics, Revvity
Classification: Uncertain significance. Last evaluated: 2023-07-12. Review status: criteria provided, single submitter. Criteria: ACMG Guidelines, 2015. Collection method: clinical testing. Allele origin: germline.

Color Diagnostics, LLC DBA Color Health
Classification: Likely benign for Malignant hyperthermia, susceptibility to, 5. Last evaluated: 2022-10-20. Review status: criteria provided, single submitter. Criteria: ACMG Guidelines, 2015. Collection method: clinical testing. Allele origin: germline.

MGZ Medical Genetics Center
Classification: Uncertain significance for Hypokalemic periodic paralysis, type 1. Last evaluated: 2022-05-24. Review status: criteria provided, single submitter. Criteria: ACMG Guidelines, 2015. Collection method: clinical testing. Allele origin: germline. Affected: yes. Observed: 2 variant alleles.
Comment: ACMG criteria applied: PP3

Illumina Laboratory Services, Illumina
Classification: Benign for Hypokalemic periodic paralysis, type 1. Last evaluated: 2018-01-13. Review status: criteria provided, single submitter. Criteria: ICSL Variant Classification Criteria 13 December 2019. Collection method: clinical testing. Allele origin: germline.
Comment: This variant was observed in the ICSL laboratory as part of a predisposition screen in an ostensibly healthy population. It had not been previously curated by ICSL or reported in the Human Gene Mutation Database (HGMD: prior to June 1st, 2018), and was therefore a candidate for classification through an automated scoring system. Utilizing variant allele frequency, disease prevalence and penetrance estimates, and inheritance mode, an automated score was calculated to assess if this variant is too frequent to cause the disease. Based on the score and internal cut-off values, a variant classified as benign is not then subjected to further curation. The score for this variant resulted in a classification of benign for this disease.

Literature cited by the submitters: PubMed 24195946 (cited by Mayo Clinic Laboratories, Mayo Clinic).

NM_000069.3(CACNA1S):c.743C>T (p.Thr248Met)

Gene: CACNA1S (calcium voltage-gated channel subunit alpha1 S; minus strand). Cytogenetic location: 1q32.1.
Variant type: single nucleotide variant.
Coding change: c.743C>T on transcript NM_000069.3 (MANE Select); coding-DNA position 743, C replaced by T.
Protein change: p.Thr248Met; replaces threonine 248 with methionine.
Molecular consequence: missense variant.
Genome position (GRCh38, 1-based): chr1:201,089,415, G>A on the plus strand (C>T on the coding strand, the complement: CACNA1S is on the minus strand). VCF-style: chr1-201089415-G-A. GRCh37 (hg19) VCF-style: chr1-201058543-G-A.
Other names: p.Thr248Met; short protein forms T248M.
Identifiers: ClinVar variation 294774 (VCV000294774.60), dbSNP rs200665694, ClinGen allele CA083982.